The following is an entry in ClinVar:

ClinVar aggregate classification (germline): Uncertain significance. Review status: criteria provided, multiple submitters, no conflicts (2 of 4 stars). 2 submissions from 2 submitters: Uncertain significance (2). Last evaluated 2025-11-25.

Conditions:
Cardiovascular phenotype. Identifiers: MedGen CN230736.

Allele frequency attached by ClinVar (database versions not stated): gnomAD exomes 0.00001 and 0.00002; ExAC 0.00003; TOPMed 0.00003; gnomAD 0.00004; ESP Exome Variant Server 0.00008; 1000 Genomes Project 30x 0.00016; 1000 Genomes Project 0.00020.
gnomAD v4.1: 18 of 1,612,740 alleles (0.0011%); highest among the groups gnomAD compares: East Asian, 0.016%; no homozygotes.

Submissions (2):

Labcorp Genetics (formerly Invitae), Labcorp
Classification: Uncertain significance. Last evaluated: 2025-11-25. Review status: criteria provided, single submitter. Criteria: Invitae Variant Classification Sherloc (09022015). Collection method: clinical testing. Allele origin: germline.
Comment: This sequence change replaces proline, which is neutral and non-polar, with leucine, which is neutral and non-polar, at codon 1530 of the ALPK3 protein (p.Pro1530Leu). This variant is present in population databases (rs371508067, gnomAD 0.03%). This variant has not been reported in the literature in individuals affected with ALPK3-related conditions. ClinVar contains an entry for this variant (Variation ID: 1516772). Invitae Evidence Modeling of protein sequence and biophysical properties (such as structural, functional, and spatial information, amino acid conservation, physicochemical variation, residue mobility, and thermodynamic stability) indicates that this missense variant is expected to disrupt ALPK3 protein function with a positive predictive value of 80%. In summary, the available evidence is currently insufficient to determine the role of this variant in disease. Therefore, it has been classified as a Variant of Uncertain Significance.

Ambry Genetics
Classification: Uncertain significance for Cardiovascular phenotype. Last evaluated: 2025-01-19. Review status: criteria provided, single submitter. Criteria: Ambry Variant Classification Scheme 2023. Collection method: clinical testing. Allele origin: germline.
Comment: The p.P1530L variant (also known as c.4589C>T), located in coding exon 8 of the ALPK3 gene, results from a C to T substitution at nucleotide position 4589. The proline at codon 1530 is replaced by leucine, an amino acid with similar properties. This amino acid position is not well conserved in available vertebrate species. In addition, this alteration is predicted to be tolerated by in silico analysis. Since supporting evidence is limited at this time, the clinical significance of this alteration remains unclear.

NM_020778.5(ALPK3):c.3983C>T (p.Pro1328Leu)

Gene: ALPK3 (alpha kinase 3; plus strand). Cytogenetic location: 15q25.3.
Variant type: single nucleotide variant.
Coding change: c.3983C>T on transcript NM_020778.5 (MANE Select); coding-DNA position 3983, C replaced by T.
Protein change: p.Pro1328Leu; replaces proline 1328 with leucine.
Molecular consequence: missense variant.
Genome position (GRCh38, 1-based): chr15:84,859,793, C>T. VCF-style: chr15-84859793-C-T. GRCh37 (hg19) VCF-style: chr15-85403024-C-T.
Other names: short protein forms P1328L.
Identifiers: ClinVar variation 1516772 (VCV001516772.11), dbSNP rs371508067, ClinGen allele CA7709797.